The following is an entry in ClinVar:

NM_001111.5(ADAR):c.3581C>T (p.Thr1194Met)

Gene: ADAR (adenosine deaminase RNA specific; minus strand). Cytogenetic location: 1q21.3.
Variant type: single nucleotide variant.
Coding change: c.3581C>T on transcript NM_001111.5 (MANE Select); coding-DNA position 3581, C replaced by T.
Protein change: p.Thr1194Met; replaces threonine 1194 with methionine.
Molecular consequence: missense variant.
Genome position (GRCh38, 1-based): chr1:154,584,906, G>A on the plus strand (C>T on the coding strand, the complement: ADAR is on the minus strand). VCF-style: chr1-154584906-G-A. GRCh37 (hg19) VCF-style: chr1-154557382-G-A.
Other names: c.2696C>T, p.Thr899Met (NM_001025107.3, NM_001193495.2, NM_001365046.1 and 2 more transcripts); c.3608C>T, p.Thr1203Met (NM_001365045.1); c.2618C>T, p.Thr873Met (NM_001365049.1); c.3503C>T, p.Thr1168Met (NM_015840.4); c.3446C>T, p.Thr1149Met (NM_015841.4); short protein forms T1149M, T1203M, T899M, T1194M, T873M, T1168M.
Identifiers: ClinVar variation 961650 (VCV000961650.10), dbSNP rs367899281, ClinGen allele CA1130918.

ClinVar aggregate classification (germline): Uncertain significance. Review status: criteria provided, multiple submitters, no conflicts (2 of 4 stars). 4 submissions from 4 submitters: Uncertain significance (4). Last evaluated 2025-09-26.

Conditions:
Inborn genetic diseases. Identifiers: MedGen C0950123, MeSH D030342.
Symmetrical dyschromatosis of extremities (DSH). Also called: RETICULATE ACROPIGMENTATION OF DOHI; SYMMETRIC DYSCHROMATOSIS OF THE EXTREMITIES; Dyschromatosis symmetrica hereditaria; DYSCHROMATOSIS SYMMETRICA HEREDITARIA 1. Identifiers: Orphanet 41, MedGen C0406775, MONDO:0007483, OMIM 127400.
Aicardi-Goutieres syndrome 6 (AGS6). Identifiers: Orphanet 51, MedGen C3539013, MONDO:0014007, OMIM 615010.

Allele frequency attached by ClinVar (database versions not stated): TOPMed 0.00002; gnomAD exomes 0.00004 and 0.00009; gnomAD 0.00005 and 0.00006; ESP Exome Variant Server 0.00008; ExAC 0.00009; 1000 Genomes Project 0.00040; 1000 Genomes Project 30x 0.00047.
gnomAD v4.1: 61 of 1,614,162 alleles (0.0038%); highest among the groups gnomAD compares: South Asian, 0.034%; no homozygotes.

Submissions (4):

Ambry Genetics
Classification: Uncertain significance for Inborn genetic diseases. Last evaluated: 2025-09-26. Review status: criteria provided, single submitter. Criteria: Ambry Variant Classification Scheme 2023. Collection method: clinical testing. Allele origin: germline.

Labcorp Genetics (formerly Invitae), Labcorp
Classification: Uncertain significance for Aicardi-Goutieres syndrome 6; Symmetrical dyschromatosis of extremities. Last evaluated: 2025-08-11. Review status: criteria provided, single submitter. Criteria: Invitae Variant Classification Sherloc (09022015). Collection method: clinical testing. Allele origin: germline.
Comment: This sequence change replaces threonine, which is neutral and polar, with methionine, which is neutral and non-polar, at codon 1194 of the ADAR protein (p.Thr1194Met). This variant is present in population databases (rs367899281, gnomAD 0.03%). This variant has not been reported in the literature in individuals affected with ADAR-related conditions. ClinVar contains an entry for this variant (Variation ID: 961650). Invitae Evidence Modeling of protein sequence and biophysical properties (such as structural, functional, and spatial information, amino acid conservation, physicochemical variation, residue mobility, and thermodynamic stability) indicates that this missense variant is not expected to disrupt ADAR protein function with a negative predictive value of 80%. In summary, the available evidence is currently insufficient to determine the role of this variant in disease. Therefore, it has been classified as a Variant of Uncertain Significance.

Genome-Nilou Lab
Classification: Uncertain significance for Aicardi-Goutieres syndrome 6. Last evaluated: 2023-04-11. Review status: criteria provided, single submitter. Criteria: ACMG Guidelines, 2015. Collection method: clinical testing. Allele origin: germline. Affected: no.

Baylor Genetics
Classification: Uncertain significance for Aicardi-Goutieres syndrome 6. Last evaluated: 2019-06-21. Review status: criteria provided, single submitter. Criteria: ACMG Guidelines, 2015. Collection method: clinical testing. Allele origin: unknown. Affected: yes.
Comment: This variant was determined to be of uncertain significance according to ACMG Guidelines, 2015 [PMID:25741868].